The following is an entry in ClinVar:

ClinVar aggregate classification (germline): Uncertain significance (1 of 4 stars; one submission).

gnomAD v4.1: 1 of 1,613,756 alleles (0.000062%); highest among the groups gnomAD compares: Non-Finnish European, 0.000085%; no homozygotes.

Submission:

GeneDx
Classification: Uncertain significance. Last evaluated: 2025-06-16. Review status: criteria provided, single submitter. Criteria: GeneDx Variant Classification Process June 2021. Collection method: clinical testing. Allele origin: germline. Affected: yes.
Comment: Not observed at significant frequency in large population cohorts (gnomAD); In silico analysis suggests that this missense variant does not alter protein structure/function; Has not been previously published as pathogenic or benign to our knowledge

NM_001170629.2(CHD8):c.4865C>T (p.Thr1622Ile)

Gene: CHD8 (chromodomain helicase DNA binding protein 8; minus strand). Cytogenetic location: 14q11.2.
Variant type: single nucleotide variant.
Coding change: c.4865C>T on transcript NM_001170629.2 (MANE Select); coding-DNA position 4865, C replaced by T.
Protein change: p.Thr1622Ile; replaces threonine 1622 with isoleucine.
Molecular consequence: missense variant.
Genome position (GRCh38, 1-based): chr14:21,399,658, G>A on the plus strand (C>T on the coding strand, the complement: CHD8 is on the minus strand). VCF-style: chr14-21399658-G-A. GRCh37 (hg19) VCF-style: chr14-21867817-G-A.
Other names: c.4028C>T, p.Thr1343Ile (NM_020920.4); short protein forms T1343I, T1622I.
Identifiers: ClinVar variation 4538668 (VCV004538668.1).
Genomic context (GRCh38, chr14:21,399,658, plus strand): 5'-GTACCATGTTTAAAGACTCCAATGAGCAGCGACTTGTCAGCCTCACTGTCCCACCAAGTT[G>A]TTGGAACCTCCAGTTGATCCACTACTGGGAACCATATGTCAATCTCACTAAAGGTATAAG-3'
Protein context (NP_001164100.1, residues 1612-1632): FPVVDQLEVP[Thr1622Ile]TWWDSEADKS